The following is an entry in ClinVar:

NM_000388.4(CASR):c.1525G>C (p.Gly509Arg)

Gene: CASR (calcium sensing receptor; plus strand). Cytogenetic location: 3q21.1.
Variant type: single nucleotide variant.
Coding change: c.1525G>C on transcript NM_000388.4 (MANE Select); coding-DNA position 1525, G replaced by C.
Protein change: p.Gly509Arg; replaces glycine 509 with arginine.
Molecular consequence: missense variant.
Genome position (GRCh38, 1-based): chr3:122,275,959, G>C. VCF-style: chr3-122275959-G-C. GRCh37 (hg19) VCF-style: chr3-121994806-G-C.
Other names: p.Gly509Arg; c.1525G>C, p.Gly509Arg (NM_001178065.2); short protein forms G509R.
Identifiers: ClinVar variation 1066880 (VCV001066880.12), dbSNP rs193922423, ClinGen allele CA354155286.

ClinVar aggregate classification (germline): Pathogenic/Likely pathogenic. Review status: criteria provided, multiple submitters, no conflicts (2 of 4 stars). 4 submissions from 4 submitters: Pathogenic (1); Likely pathogenic (3). Last evaluated 2025-01-15.

Conditions:
Autosomal dominant hypocalcemia 1 (HYPOC1). Also called: HYPOCALCEMIA, FAMILIAL. Identifiers: MedGen C3715128, MONDO:0011013, OMIM 601198.
Familial hypocalciuric hypercalcemia 1. Also called: Hypercalcemia, familial benign type 1. Identifiers: Orphanet 405, Orphanet 93372, MedGen C0342637, MONDO:0007791, OMIM 145980.
Neonatal severe primary hyperparathyroidism. Identifiers: Orphanet 417, MedGen C1832615, MONDO:0009397, OMIM 239200.
Epilepsy, idiopathic generalized, susceptibility to, 8. Identifiers: MedGen C2752062, MONDO:0013032, OMIM 612899.
Familial hypocalciuric hypercalcemia (FHH). Also called: Familial benign hypercalcemia. Identifiers: Orphanet 405, MedGen C1809471, MONDO:0018458.

Submissions (4):

Labcorp Genetics (formerly Invitae), Labcorp
Classification: Pathogenic for Familial hypocalciuric hypercalcemia; Autosomal dominant hypocalcemia 1. Last evaluated: 2025-01-15. Review status: criteria provided, single submitter. Criteria: Invitae Variant Classification Sherloc (09022015). Collection method: clinical testing. Allele origin: germline.
Comment: This sequence change replaces glycine, which is neutral and non-polar, with arginine, which is basic and polar, at codon 509 of the CASR protein (p.Gly509Arg). This variant is not present in population databases (gnomAD no frequency). This missense change has been observed in individual(s) with hypocalciuric hypercalcemia and/or neonatal severe hyperparathyroidism (PMID: 17698911, 24763815, 31672324, 32638038). In at least one individual the data is consistent with being in trans (on the opposite chromosome) from a pathogenic variant. It has also been observed to segregate with disease in related individuals. ClinVar contains an entry for this variant (Variation ID: 1066880). An algorithm developed to predict the effect of missense changes on protein structure and function (PolyPhen-2) suggests that this variant is likely to be disruptive. For these reasons, this variant has been classified as Pathogenic.

Mayo Clinic Laboratories, Mayo Clinic
Classification: Likely pathogenic. Last evaluated: 2024-09-13. Review status: criteria provided, single submitter. Criteria: ACMG Guidelines, 2015. Collection method: clinical testing. Allele origin: germline. Observed: 1 variant allele.
Comment: PP2, PP3, PM2, PS1

Fulgent Genetics
Classification: Likely pathogenic for Familial hypocalciuric hypercalcemia 1; Neonatal severe primary hyperparathyroidism; Autosomal dominant hypocalcemia 1; Epilepsy, idiopathic generalized, susceptibility to, 8. Last evaluated: 2024-06-20. Review status: criteria provided, single submitter. Criteria: ACMG Guidelines, 2015. Collection method: clinical testing. Allele origin: germline.

Women's Health and Genetics/Laboratory Corporation of America, LabCorp
Classification: Likely pathogenic for Familial hypocalciuric hypercalcemia. Last evaluated: 2024-06-18. Review status: criteria provided, single submitter. Criteria: LabCorp Variant Classification Summary - May 2015. Collection method: clinical testing. Allele origin: germline.
Comment: Variant summary: CASR c.1525G>C (p.Gly509Arg) results in a non-conservative amino acid change in the encoded protein sequence. Five of five in-silico tools predict a damaging effect of the variant on protein function. The variant was absent in 251448 control chromosomes. To our knowledge, no occurrence of c.1525G>C in individuals affected with Familial Hypocalciuric Hypercalcemia has been reported. A different variant resulting in the same amino acid consequence has been classified as pathogenic by our lab (c.1525G>A), supporting the pathogenicity of this variant. At least one publication reports experimental evidence evaluating an impact on protein function, however, does not allow convincing conclusions about the variant effect (Mullin_2022). The following publication has been ascertained in the context of this evaluation (PMID: 35356007). ClinVar contains an entry for this variant (Variation ID: 1066880). Based on the evidence outlined above, the variant was classified as likely pathogenic.

Literature cited by the submitters: PubMed 17698911 (cited by Labcorp Genetics (formerly Invitae), Labcorp and Mayo Clinic Laboratories, Mayo Clinic); PubMed 24763815 (cited by Labcorp Genetics (formerly Invitae), Labcorp and Mayo Clinic Laboratories, Mayo Clinic); PubMed 31672324 (cited by Labcorp Genetics (formerly Invitae), Labcorp and Mayo Clinic Laboratories, Mayo Clinic); PubMed 32638038 (cited by Labcorp Genetics (formerly Invitae), Labcorp and Mayo Clinic Laboratories, Mayo Clinic); PubMed 23764372 (cited by Mayo Clinic Laboratories, Mayo Clinic); PubMed 33179231 (cited by Mayo Clinic Laboratories, Mayo Clinic); PubMed 35356007 (cited by Women's Health and Genetics/Laboratory Corporation of America, LabCorp).